The following is an entry in ClinVar:

ClinVar aggregate classification (germline): Uncertain significance (1 of 4 stars; one submission).

Submission:

GeneDx
Classification: Uncertain significance. Last evaluated: 2024-05-08. Review status: criteria provided, single submitter. Criteria: GeneDx Variant Classification Process June 2021. Collection method: clinical testing. Allele origin: germline. Affected: yes.
Comment: Not observed at significant frequency in large population cohorts (gnomAD); In silico analysis indicates that this missense variant does not alter protein structure/function; Has not been previously published as pathogenic or benign to our knowledge

NM_004984.4(KIF5A):c.2668A>G (p.Lys890Glu)

Gene: KIF5A (kinesin family member 5A; plus strand). Cytogenetic location: 12q13.3.
Variant type: single nucleotide variant.
Coding change: c.2668A>G on transcript NM_004984.4 (MANE Select); coding-DNA position 2668, A replaced by G.
Protein change: p.Lys890Glu; replaces lysine 890 with glutamic acid.
Molecular consequence: missense variant.
Genome position (GRCh38, 1-based): chr12:57,581,085, A>G. VCF-style: chr12-57581085-A-G. GRCh37 (hg19) VCF-style: chr12-57974868-A-G.
Other names: c.2401A>G, p.Lys801Glu (NM_001354705.2); short protein forms K801E, K890E.
Identifiers: ClinVar variation 3375645 (VCV003375645.1).